The following is an entry in ClinVar:

NM_012213.3(MLYCD):c.1007A>G (p.Lys336Arg)

Gene: MLYCD (malonyl-CoA decarboxylase; plus strand). Cytogenetic location: 16q23.3.
Variant type: single nucleotide variant.
Coding change: c.1007A>G on transcript NM_012213.3 (MANE Select); coding-DNA position 1007, A replaced by G.
Protein change: p.Lys336Arg; replaces lysine 336 with arginine.
Molecular consequence: missense variant.
Genome position (GRCh38, 1-based): chr16:83,915,014, A>G. VCF-style: chr16-83915014-A-G. GRCh37 (hg19) VCF-style: chr16-83948619-A-G.
Other names: short protein forms K336R.
Identifiers: ClinVar variation 697445 (VCV000697445.12), dbSNP rs76841036, ClinGen allele CA8197483.

ClinVar aggregate classification (germline): Conflicting classifications of pathogenicity. Review status: criteria provided, conflicting classifications (1 of 4 stars). 4 submissions from 4 submitters: Uncertain significance (1); Likely benign (2). 1 of the submissions does not count toward it. Last evaluated 2025-12-15.

Conditions:
Deficiency of malonyl-CoA decarboxylase. Also called: Malonic aciduria; MCD deficiency. Identifiers: Orphanet 943, MedGen C0342793, MONDO:0009556, OMIM 248360.
MLYCD-related disorder. Also called: MLYCD-related condition.

Allele frequency attached by ClinVar (database versions not stated): gnomAD exomes 0.00017; ExAC 0.00023; ESP Exome Variant Server 0.00050; TOPMed 0.00071; gnomAD 0.00073 and 0.00075; 1000 Genomes Project 0.00140; 1000 Genomes Project 30x 0.00187.
gnomAD v4.1: 201 of 1,614,244 alleles (0.012%); highest among the groups gnomAD compares: African/African-American, 0.24%; no homozygotes.

Submissions (4):

Labcorp Genetics (formerly Invitae), Labcorp
Classification: Likely benign for Deficiency of malonyl-CoA decarboxylase. Last evaluated: 2025-12-15. Review status: criteria provided, single submitter. Criteria: Invitae Variant Classification Sherloc (09022015). Collection method: clinical testing. Allele origin: germline.

ARUP Laboratories, Molecular Genetics and Genomics, ARUP Laboratories
Classification: Uncertain significance for Deficiency of malonyl-CoA decarboxylase. Last evaluated: 2024-08-13. Review status: criteria provided, single submitter. Criteria: ARUP Molecular Germline Variant Investigation Process 2024. Collection method: clinical testing. Allele origin: germline.
Comment: The MLYCD c.1007A>G; p.Lys336Arg variant (rs76841036), to our knowledge, is not reported in the medical literature but is reported in ClinVar (Variation ID: 697445). This variant is found in the general population with an overall allele frequency of 0.025% (70/280980 alleles) in the Genome Aggregation Database (v2.1.1). Computational analyses are uncertain whether this variant is neutral or deleterious (REVEL: 0.347). Due to limited information, the clinical significance of this variant is uncertain at this time.

GeneDx
Classification: Likely benign. Last evaluated: 2020-04-15. Review status: criteria provided, single submitter. Criteria: GeneDx Variant Classification Process June 2021. Collection method: clinical testing. Allele origin: germline. Affected: yes.

PreventionGenetics, part of Exact Sciences
Classification: Likely benign for MLYCD-related condition. Last evaluated: 2024-08-30. Review status: no assertion criteria provided. Collection method: clinical testing. Allele origin: germline. Not counted in ClinVar's aggregate classification.
Comment: This variant is classified as likely benign based on ACMG/AMP sequence variant interpretation guidelines (Richards et al. 2015 PMID: 25741868, with internal and published modifications).